The following is an entry in ClinVar:

ClinVar aggregate classification (germline): Uncertain significance (1 of 4 stars; one submission).

Allele frequency attached by ClinVar (database versions not stated): gnomAD exomes below 0.00001; gnomAD 0.00001; TOPMed 0.00002.
gnomAD v4.1: 3 of 1,606,734 alleles (0.00019%); highest among the groups gnomAD compares: African/African-American, 0.004%; no homozygotes.

Submission:

Women's Health and Genetics/Laboratory Corporation of America, LabCorp
Classification: Uncertain significance. Last evaluated: 2022-08-19. Review status: criteria provided, single submitter. Criteria: LabCorp Variant Classification Summary - May 2015. Collection method: clinical testing. Allele origin: germline.
Comment: Variant summary: CAMK2A c.1060A>G (p.Thr354Ala) results in a non-conservative amino acid change located in the Calcium/calmodulin-dependent protein kinase II, association-domain (IPR013543) of the encoded protein sequence. Three of five in-silico tools predict a benign effect of the variant on protein function. The variant allele was found at a frequency of 1.3e-05 in 237520 control chromosomes (gnomAD). The available data on variant occurrences in the general population are insufficient to allow any conclusion about variant significance. To our knowledge, no occurrence of c.1060A>G in individuals affected with Autosomal Dominant Intellectual Disability and no experimental evidence demonstrating its impact on protein function have been reported. No clinical diagnostic laboratories have submitted clinical-significance assessments for this variant to ClinVar after 2014. Based on the evidence outlined above, the variant was classified as uncertain significance.

NM_015981.4(CAMK2A):c.1060A>G (p.Thr354Ala)

Gene: CAMK2A (calcium/calmodulin dependent protein kinase II alpha; minus strand). Cytogenetic location: 5q32.
Variant type: single nucleotide variant.
Coding change: c.1060A>G on transcript NM_015981.4 (MANE Select); coding-DNA position 1060, A replaced by G.
Protein change: p.Thr354Ala; replaces threonine 354 with alanine.
Molecular consequence: missense variant.
Genome position (GRCh38, 1-based): chr5:150,238,706, T>C on the plus strand (A>G on the coding strand, the complement: CAMK2A is on the minus strand). VCF-style: chr5-150238706-T-C. GRCh37 (hg19) VCF-style: chr5-149618269-T-C.
Other names: c.1060A>G, p.Thr354Ala (NM_001363989.1); c.1027A>G, p.Thr343Ala (NM_001363990.1, NM_001369025.2, NM_171825.3); short protein forms T343A, T354A.
Identifiers: ClinVar variation 1705157 (VCV001705157.1), dbSNP rs1024265518, ClinGen allele CA129139920.